The following is an entry in ClinVar:

NM_207421.4(PADI6):c.794C>T (p.Pro265Leu)

Gene: PADI6 (peptidyl arginine deiminase 6; plus strand). Cytogenetic location: 1p36.13.
Variant type: single nucleotide variant.
Coding change: c.794C>T on transcript NM_207421.4 (MANE Select); coding-DNA position 794, C replaced by T.
Protein change: p.Pro265Leu; replaces proline 265 with leucine.
Molecular consequence: missense variant.
Genome position (GRCh38, 1-based): chr1:17,388,495, C>T. VCF-style: chr1-17388495-C-T. GRCh37 (hg19) VCF-style: chr1-17714990-C-T.
Other names: short protein forms P265L.
Identifiers: ClinVar variation 2224684 (VCV002224684.4), dbSNP rs778776468, ClinGen allele CA641509.

ClinVar aggregate classification (germline): Uncertain significance. Review status: criteria provided, multiple submitters, no conflicts (2 of 4 stars). 2 submissions from 2 submitters: Uncertain significance (2). Last evaluated 2025-03-03.

Conditions:
Inborn genetic diseases. Identifiers: MedGen C0950123, MeSH D030342.
Oocyte/zygote/embryo maturation arrest 16. Also called: Preimplantation embryonic lethality 2. Identifiers: MedGen C4310659, MONDO:1010200, OMIM 617234.

Allele frequency attached by ClinVar (database versions not stated): gnomAD exomes 0.00001; ExAC 0.00001.
gnomAD v4.1: 20 of 1,613,670 alleles (0.0012%); highest among the groups gnomAD compares: Non-Finnish European, 0.0017%; no homozygotes.

Submissions (2):

Ambry Genetics
Classification: Uncertain significance for Inborn genetic diseases. Last evaluated: 2025-03-03. Review status: criteria provided, single submitter. Criteria: Ambry Variant Classification Scheme 2023. Collection method: clinical testing. Allele origin: germline.

Juno Genomics, Hangzhou Juno Genomics, Inc
Classification: Uncertain significance for Oocyte/zygote/embryo maturation arrest 16. Review status: criteria provided, single submitter. Criteria: ACMG Guidelines, 2015. Collection method: clinical testing. Allele origin: germline. Affected: yes.
Comment: Absent from controls (or at extremely low frequency if recessive) in Genome Aggregation Database.;Patient's phenotype or family history is highly specific for a disease with a single genetic etiology.